The following is an entry in ClinVar:

NM_152703.5(SAMD9L):c.1040C>T (p.Ala347Val)

Gene: SAMD9L (sterile alpha motif domain containing 9 like; minus strand). Cytogenetic location: 7q21.2.
Variant type: single nucleotide variant.
Coding change: c.1040C>T on transcript NM_152703.5 (MANE Select); coding-DNA position 1040, C replaced by T.
Protein change: p.Ala347Val; replaces alanine 347 with valine.
Molecular consequence: missense variant.
Genome position (GRCh38, 1-based): chr7:93,134,932, G>A on the plus strand (C>T on the coding strand, the complement: SAMD9L is on the minus strand). VCF-style: chr7-93134932-G-A. GRCh37 (hg19) VCF-style: chr7-92764245-G-A.
Other names: c.1040C>T, p.Ala347Val (NM_001303496.3, NM_001303497.3, NM_001303498.3 and 5 more transcripts); c.1040C>T (NM_152703.2); short protein forms A347V.
Identifiers: ClinVar variation 2061598 (VCV002061598.5), dbSNP rs774672745, ClinGen allele CA4343773.

ClinVar aggregate classification (germline): Uncertain significance. Review status: criteria provided, multiple submitters, no conflicts (2 of 4 stars). 2 submissions from 2 submitters: Uncertain significance (2). Last evaluated 2024-11-20.

Conditions:
Inborn genetic diseases. Identifiers: MedGen C0950123, MeSH D030342.

Allele frequency attached by ClinVar (database versions not stated): ExAC 0.00001; gnomAD exomes 0.00001.
gnomAD v4.1: 8 of 1,613,602 alleles (0.0005%); highest among the groups gnomAD compares: African/African-American, 0.0013%; no homozygotes.

Submissions (2):

Ambry Genetics
Classification: Uncertain significance for Inborn genetic diseases. Last evaluated: 2024-11-20. Review status: criteria provided, single submitter. Criteria: Ambry Variant Classification Scheme 2023. Collection method: clinical testing. Allele origin: germline.
Comment: The p.A347V variant (also known as c.1040C>T), located in coding exon 1 of the SAMD9L gene, results from a C to T substitution at nucleotide position 1040. The alanine at codon 347 is replaced by valine, an amino acid with similar properties. This amino acid position is conserved. In addition, this alteration is predicted to be tolerated by in silico analysis. Based on the available evidence, the clinical significance of this variant remains unclear.

Labcorp Genetics (formerly Invitae), Labcorp
Classification: Uncertain significance. Last evaluated: 2022-09-13. Review status: criteria provided, single submitter. Criteria: Invitae Variant Classification Sherloc (09022015). Collection method: clinical testing. Allele origin: germline.
Comment: In summary, the available evidence is currently insufficient to determine the role of this variant in disease. Therefore, it has been classified as a Variant of Uncertain Significance. Advanced modeling of protein sequence and biophysical properties (such as structural, functional, and spatial information, amino acid conservation, physicochemical variation, residue mobility, and thermodynamic stability) performed at Invitae indicates that this missense variant is not expected to disrupt SAMD9L protein function. This variant has not been reported in the literature in individuals affected with SAMD9L-related conditions. This variant is present in population databases (rs774672745, gnomAD 0.002%). This sequence change replaces alanine, which is neutral and non-polar, with valine, which is neutral and non-polar, at codon 347 of the SAMD9L protein (p.Ala347Val).